The following is an entry in ClinVar:

NM_006642.5(SDCCAG8):c.543A>C (p.Ala181=)

Gene: SDCCAG8 (SHH signaling and ciliogenesis regulator SDCCAG8; plus strand). Cytogenetic location: 1q43.
Variant type: single nucleotide variant.
Coding change: c.543A>C on transcript NM_006642.5 (MANE Select); coding-DNA position 543, A replaced by C.
Protein change: p.Ala181=; no amino-acid change (alanine 181 retained).
Molecular consequence: synonymous variant. On other transcripts: 5 prime UTR variant (3).
Genome position (GRCh38, 1-based): chr1:243,286,394, A>C. VCF-style: chr1-243286394-A-C. GRCh37 (hg19) VCF-style: chr1-243449696-A-C.
Other names: c.-570A>C (NM_001350246.2); c.-458A>C (NM_001350247.2); c.543A>C, p.Ala181= (NM_001350248.2); c.249A>C, p.Ala83= (NM_001350249.2); c.-831A>C (NM_001350251.2); c.543A>C (NM_006642.3).
Identifiers: ClinVar variation 2171139 (VCV002171139.6), dbSNP rs375641930, ClinGen allele CA1483331.

ClinVar aggregate classification (germline): Likely benign. Review status: criteria provided, single submitter (1 of 4 stars). 2 submissions from 2 submitters: Likely benign (1). 1 of the submissions does not count toward it. Last evaluated 2026-01-02.

Conditions:
SDCCAG8-related disorder. Also called: SDCCAG8-Related Disorders; SDCCAG8-related condition.
Senior-Loken syndrome 7 (SLSN7). Identifiers: Orphanet 3156, MedGen C3150877, MONDO:0013326, OMIM 613615.
Bardet-Biedl syndrome 16 (BBS16). Identifiers: Orphanet 110, MedGen C3889474, MONDO:0014444, OMIM 615993.

Allele frequency attached by ClinVar (database versions not stated): gnomAD exomes 0.00001; ExAC 0.00002; TOPMed 0.00006; gnomAD 0.00007; ESP Exome Variant Server 0.00008.
gnomAD v4.1: 21 of 1,613,894 alleles (0.0013%); highest among the groups gnomAD compares: African/African-American, 0.028%; no homozygotes.

Submissions (2):

Labcorp Genetics (formerly Invitae), Labcorp
Classification: Likely benign for Bardet-Biedl syndrome 16; Senior-Loken syndrome 7. Last evaluated: 2026-01-02. Review status: criteria provided, single submitter. Criteria: Invitae Variant Classification Sherloc (09022015). Collection method: clinical testing. Allele origin: germline.

PreventionGenetics, part of Exact Sciences
Classification: Likely benign for SDCCAG8-related condition. Last evaluated: 2020-07-09. Review status: no assertion criteria provided. Collection method: clinical testing. Allele origin: germline. Not counted in ClinVar's aggregate classification.
Comment: This variant is classified as likely benign based on ACMG/AMP sequence variant interpretation guidelines (Richards et al. 2015 PMID: 25741868, with internal and published modifications).